The following is an entry in ClinVar:

NM_018646.6(TRPV6):c.608-14_608-11del

Gene: TRPV6 (transient receptor potential cation channel subfamily V member 6; minus strand). Cytogenetic location: 7q34.
Variant type: Microsatellite.
Coding change: c.608-14_608-11del on transcript NM_018646.6 (MANE Select); 14 bases into the intron before coding-DNA position 608 through 11 bases into the intron before coding-DNA position 608, 4 bases deleted (CTCT; older notation c.608-14_608-11delCTCT).
Molecular consequence: intron variant.
Genome position (GRCh38, 1-based): chr7:142,876,848-142,876,851, AGAG deleted on the plus strand (CTCT on the coding strand, the reverse complement: TRPV6 is on the minus strand); deleting any 4 consecutive bases within chr7:142,876,848-142,876,854 gives the same sequence; the c. name uses the placement nearest the transcript's 3' end. VCF-style (leftmost placement, unchanged base first): chr7-142876847-CAGAG-C. GRCh37 (hg19) VCF-style: chr7-142574600-CAGAG-C.
Identifiers: ClinVar variation 3609611 (VCV003609611.2).

ClinVar aggregate classification (germline): Uncertain significance (1 of 4 stars; one submission).

Submission:

Labcorp Genetics (formerly Invitae), Labcorp
Classification: Uncertain significance. Last evaluated: 2025-03-30. Review status: criteria provided, single submitter. Criteria: Invitae Variant Classification Sherloc (09022015). Collection method: clinical testing. Allele origin: germline.
Comment: This sequence change falls in intron 4 of the TRPV6 gene. It does not directly change the encoded amino acid sequence of the TRPV6 protein. This variant is present in population databases (rs748717600, gnomAD 0.01%). This variant has not been reported in the literature in individuals affected with TRPV6-related conditions. Algorithms developed to predict the effect of sequence changes on RNA splicing suggest that this variant may create or strengthen a splice site. In summary, the available evidence is currently insufficient to determine the role of this variant in disease. Therefore, it has been classified as a Variant of Uncertain Significance.